The following is an entry in ClinVar:

ClinVar aggregate classification (germline): Uncertain significance (1 of 4 stars; one submission).

Conditions:
Tietz syndrome (TADS). Also called: ALBINISM-DEAFNESS OF TIETZ; HYPOPIGMENTATION/DEAFNESS OF TIETZ; TIETZ ALBINISM-DEAFNESS SYNDROME. Identifiers: Orphanet 42665, MedGen C0391816, MONDO:0007077, OMIM 103500.
Waardenburg syndrome type 2A (WS2A). Also called: WAARDENBURG SYNDROME WITHOUT DYSTOPIA CANTHORUM. Identifiers: Orphanet 3440, MedGen C1860339, MONDO:0008671, OMIM 193510.
Melanoma, cutaneous malignant, susceptibility to, 8. Also called: MELANOMA AND RENAL CELL CARCINOMA, SUSCEPTIBILITY TO; Cutaneous malignant melanoma 8. Identifiers: Orphanet 293822, MedGen C3152204, MONDO:0013759, OMIM 614456.

Submission:

Labcorp Genetics (formerly Invitae), Labcorp
Classification: Uncertain significance for Melanoma, cutaneous malignant, susceptibility to, 8; Waardenburg syndrome type 2A; Tietz syndrome. Last evaluated: 2026-01-31. Review status: criteria provided, single submitter. Criteria: Invitae Variant Classification Sherloc (09022015). Collection method: clinical testing. Allele origin: germline.
Comment: This sequence change replaces glycine, which is neutral and non-polar, with alanine, which is neutral and non-polar, at codon 304 of the MITF protein (p.Gly304Ala). This variant is not present in population databases (gnomAD no frequency). This variant has not been reported in the literature in individuals affected with MITF-related conditions. Invitae Evidence Modeling of protein sequence and biophysical properties (such as structural, functional, and spatial information, amino acid conservation, physicochemical variation, residue mobility, and thermodynamic stability) indicates that this missense variant is not expected to disrupt MITF protein function with a negative predictive value of 80%. In summary, the available evidence is currently insufficient to determine the role of this variant in disease. Therefore, it has been classified as a Variant of Uncertain Significance.

NM_001354604.2(MITF):c.1232G>C (p.Gly411Ala)

Gene: MITF (melanocyte inducing transcription factor; plus strand). Cytogenetic location: 3p13.
Variant type: single nucleotide variant.
Coding change: c.1232G>C on transcript NM_001354604.2 (MANE Select); coding-DNA position 1232, G replaced by C.
Protein change: p.Gly411Ala; replaces glycine 411 with alanine.
Molecular consequence: missense variant.
Genome position (GRCh38, 1-based): chr3:69,964,899, G>C. VCF-style: chr3-69964899-G-C. GRCh37 (hg19) VCF-style: chr3-70014050-G-C.
Other names: c.725G>C, p.Gly242Ala (NM_198178.3); c.911G>C, p.Gly304Ala (NM_000248.4); c.1058G>C, p.Gly353Ala (NM_001184967.2, NM_001354608.2); c.1229G>C, p.Gly410Ala (NM_001354605.2); c.1211G>C, p.Gly404Ala (NM_001354606.2, NM_006722.3); c.1163G>C, p.Gly388Ala (NM_001354607.2); c.893G>C, p.Gly298Ala (NM_198158.3); c.1214G>C, p.Gly405Ala (NM_198159.3); and 1 more; short protein forms G298A, G388A, G411A, G242A, G353A, G389A, G405A, G304A.
Identifiers: ClinVar variation 4782460 (VCV004782460.1).